The following is an entry in ClinVar:

NM_000070.3(CAPN3):c.257C>T (p.Ser86Phe)

Gene: CAPN3 (calpain 3; plus strand). Cytogenetic location: 15q15.1.
Variant type: single nucleotide variant.
Coding change: c.257C>T on transcript NM_000070.3 (MANE Select); coding-DNA position 257, C replaced by T.
Protein change: p.Ser86Phe; replaces serine 86 with phenylalanine.
Molecular consequence: missense variant.
Genome position (GRCh38, 1-based): chr15:42,360,062, C>T. VCF-style: chr15-42360062-C-T. GRCh37 (hg19) VCF-style: chr15-42652260-C-T.
Other names: c.257C>T, p.Ser86Phe (NM_024344.2, NM_173087.2); short protein forms S86F.
Identifiers: ClinVar variation 17616 (VCV000017616.10), dbSNP rs121434546, ClinGen allele CA341473.
Genomic context (GRCh38, chr15:42,360,062, plus strand): 5'-AGAAATGTCTAGAAAAGAAAGTTCTTTATGTGGACCCTGAGTTCCCACCGGATGAGACCT[C>T]TCTCTTTTATAGCCAGAAGTTCCCCATCCAGTTCGTCTGGAAGAGACCTCCGGTGAGTAG-3'
Protein context (NP_000061.1, residues 76-96): VDPEFPPDET[Ser86Phe]LFYSQKFPIQ

ClinVar aggregate classification (germline): Conflicting classifications of pathogenicity. Review status: criteria provided, conflicting classifications (1 of 4 stars). 3 submissions from 3 submitters: Pathogenic (1); Uncertain significance (1). 1 of the submissions does not count toward it. Last evaluated 2026-05-05.

Conditions:
Autosomal recessive limb-girdle muscular dystrophy type 2A (LGMDR1). Also called: Calpainopathy; LEYDEN-MOEBIUS MUSCULAR DYSTROPHY; MUSCULAR DYSTROPHY, PELVOFEMORAL; Muscular dystrophy, limb-girdle, type 2A, Amish; Limb-girdle muscular dystrophy, type 2A. Identifiers: Orphanet 267, MedGen C1869123, MONDO:0009675, OMIM 253600. Disease mechanism: loss of function.

Allele frequency attached by ClinVar (database versions not stated): gnomAD 0.00001; TOPMed 0.00001.
gnomAD v4.1: 1 of 1,614,118 alleles (0.000062%); highest among the groups gnomAD compares: Non-Finnish European, 0.000085%; no homozygotes.

Submissions (3):

Myriad Genetics, Inc.
Classification: Uncertain significance for Autosomal recessive limb-girdle muscular dystrophy type 2A. Last evaluated: 2026-05-05. Review status: criteria provided, single submitter. Criteria: Myriad Autosomal Dominant, Autosomal Recessive and X-Linked Classification Criteria (2023). Collection method: clinical testing. Allele origin: unknown.
Comment: NM_000070.2(CAPN3):c.257C>T(S86F) is a missense variant classified as a variant of uncertain significance in the context of calpainopathy. S86F has been observed in cases with relevant disease (PMID: 9150160, 18337726, 32528171). Relevant functional assessments of this variant are not available in the literature. S86F has not been observed in referenced population frequency databases. In summary, there is insufficient evidence to classify NM_000070.2(CAPN3):c.257C>T(S86F) as pathogenic or benign. Please note: this variant was assessed in the context of healthy population screening.

Labcorp Genetics (formerly Invitae), Labcorp
Classification: Pathogenic for Autosomal recessive limb-girdle muscular dystrophy type 2A. Last evaluated: 2023-08-07. Review status: criteria provided, single submitter. Criteria: Invitae Variant Classification Sherloc (09022015). Collection method: clinical testing. Allele origin: germline.
Comment: For these reasons, this variant has been classified as Pathogenic. Advanced modeling of protein sequence and biophysical properties (such as structural, functional, and spatial information, amino acid conservation, physicochemical variation, residue mobility, and thermodynamic stability) performed at Invitae indicates that this missense variant is expected to disrupt CAPN3 protein function. ClinVar contains an entry for this variant (Variation ID: 17616). This missense change has been observed in individual(s) with autosomal recessive limb-girdle muscular dystrophy (PMID: 9150160, 18337726). It has also been observed to segregate with disease in related individuals. This variant is not present in population databases (gnomAD no frequency). This sequence change replaces serine, which is neutral and polar, with phenylalanine, which is neutral and non-polar, at codon 86 of the CAPN3 protein (p.Ser86Phe).

OMIM
Classification: Pathogenic for MUSCULAR DYSTROPHY, LIMB-GIRDLE, AUTOSOMAL RECESSIVE 1. Last evaluated: 1997-05-01. Review status: no assertion criteria provided. Collection method: literature only. Allele origin: germline. Not counted in ClinVar's aggregate classification.

Literature cited by the submitters: PubMed 18337726 (cited by Myriad Genetics, Inc. and Labcorp Genetics (formerly Invitae), Labcorp); PubMed 32528171 (cited by Myriad Genetics, Inc.); PubMed 9150160 (cited by 3 submitters).